The following is an entry in ClinVar:

ClinVar aggregate classification (germline): Uncertain significance (1 of 4 stars; one submission).

Conditions:
SUCLG2-related disorder. Also called: SUCLG2-related condition.

gnomAD v4.1: 7 of 1,270,104 alleles (0.00055%); highest among the groups gnomAD compares: East Asian, 0.0059%; no homozygotes.

Submission:

PreventionGenetics, part of Exact Sciences
Classification: Uncertain significance for SUCLG2-related condition. Last evaluated: 2025-03-06. Review status: criteria provided, single submitter. Criteria: ACMG Guidelines, 2015. Collection method: clinical testing. Allele origin: germline.
Comment: The SUCLG2 c.38T>A variant is predicted to result in the amino acid substitution p.Leu13Gln. To our knowledge, this variant has not been reported in the literature. This variant is reported in 0.0% of alleles in individuals of African descent in gnomAD. At this time, the clinical significance of this variant is uncertain due to the absence of conclusive functional and genetic evidence.

NM_003848.4(SUCLG2):c.38T>A (p.Leu13Gln)

Gene: SUCLG2 (succinate-CoA ligase GDP-forming subunit beta; minus strand). Cytogenetic location: 3p14.1.
Variant type: single nucleotide variant.
Coding change: c.38T>A on transcript NM_003848.4 (MANE Select); coding-DNA position 38, T replaced by A.
Protein change: p.Leu13Gln; replaces leucine 13 with glutamine.
Molecular consequence: missense variant.
Genome position (GRCh38, 1-based): chr3:67,654,549, A>T on the plus strand (T>A on the coding strand, the complement: SUCLG2 is on the minus strand). VCF-style: chr3-67654549-A-T. GRCh37 (hg19) VCF-style: chr3-67704973-A-T.
Other names: c.38T>A, p.Leu13Gln (NM_001177599.2); short protein forms L13Q.
Identifiers: ClinVar variation 4988751 (VCV004988751.1).